The following is an entry in ClinVar:

NM_001829.4(CLCN3):c.2315T>C (p.Val772Ala)

Gene: CLCN3 (chloride voltage-gated channel 3; plus strand). Cytogenetic location: 4q33.
Variant type: single nucleotide variant.
Coding change: c.2315T>C on transcript NM_001829.4 (MANE Select); coding-DNA position 2315, T replaced by C.
Protein change: p.Val772Ala; replaces valine 772 with alanine.
Molecular consequence: missense variant.
Genome position (GRCh38, 1-based): chr4:169,713,244, T>C. VCF-style: chr4-169713244-T-C. GRCh37 (hg19) VCF-style: chr4-170634395-T-C.
Other names: c.2234T>C, p.Val745Ala (NM_001243374.2, NM_001243372.2); c.2315T>C, p.Val772Ala (NM_173872.4); short protein forms V745A, V772A.
Identifiers: ClinVar variation 1192291 (VCV001192291.2), dbSNP rs2150274994, ClinGen allele CA358742849.

ClinVar aggregate classification (germline): Likely pathogenic. Review status: criteria provided, single submitter (1 of 4 stars). 2 submissions from 2 submitters: Likely pathogenic (1). 1 of the submissions does not count toward it. Last evaluated 2022-03-15.

Conditions:
Neurodevelopmental disorder with hypotonia and brain abnormalities. Identifiers: MedGen C5561977, MONDO:0859187, OMIM 619512.
Neurodevelopmental delay. Identifiers: MedGen C4022738, HP:0012758.

Submissions (2):

SIB Swiss Institute of Bioinformatics
Classification: Likely pathogenic for Neurodevelopmental disorder with hypotonia and brain abnormalities. Last evaluated: 2022-03-15. Review status: criteria provided, single submitter. Criteria: ACMG Guidelines, 2015. Collection method: curation. Allele origin: unknown.
Comment: This variant is interpreted as likely pathogenic for Neurodevelopmental disorder with hypotonia and brain abnormalities, autosomal dominant. The following ACMG Tag(s) were applied: Absent from controls (or at extremely low frequency if recessive) in Exome Sequencing Project, 1000 Genomes Project, or Exome Aggregation Consortium (PM2); De novo, paternity and maternity confirmed (PS2 downgraded to moderate); Multiple lines of computational evidence support a deleterious effect on the gene or gene product (PP3); Missense variant in a gene that has a low rate of benign missense variation (PP2).

Gene Discovery Core-Manton Center, Boston Children's Hospital
Classification: Pathogenic for Neurodevelopmental delay. Review status: no assertion criteria provided. Collection method: clinical testing. Allele origin: de novo. Affected: yes. Observed: 1 variant allele. Not counted in ClinVar's aggregate classification.

Literature cited by the submitters: PubMed 34186028 (cited by SIB Swiss Institute of Bioinformatics).